The following is an entry in ClinVar:

ClinVar aggregate classification (germline): Likely benign. Review status: criteria provided, multiple submitters, no conflicts (2 of 4 stars). 2 submissions from 2 submitters: Likely benign (2). Last evaluated 2026-09-01.

Allele frequency attached by ClinVar (database versions not stated): gnomAD 0.00001; gnomAD exomes 0.00003; TOPMed 0.00002; ExAC 0.00003.
gnomAD v4.1: 49 of 1,611,286 alleles (0.003%); highest among the groups gnomAD compares: Non-Finnish European, 0.0037%; no homozygotes.

Submissions (2):

CeGaT Center for Human Genetics Tuebingen
Classification: Likely benign. Last evaluated: 2026-09-01. Review status: criteria provided, single submitter. Criteria: CeGaT Center For Human Genetics Tuebingen Variant Classification Criteria Version 2. Collection method: clinical testing. Allele origin: germline. Affected: yes. Observed: 1 variant allele.
Comment: SLC18A3: BP4, BP7

Labcorp Genetics (formerly Invitae), Labcorp
Classification: Likely benign. Last evaluated: 2026-01-27. Review status: criteria provided, single submitter. Criteria: Invitae Variant Classification Sherloc (09022015). Collection method: clinical testing. Allele origin: germline.

NM_003055.3(SLC18A3):c.534G>A (p.Leu178=)

Genes: CHAT (choline O-acetyltransferase; plus strand), SLC18A3 (solute carrier family 18 member A3; plus strand). Cytogenetic location: 10q11.23.
Variant type: single nucleotide variant.
Coding change: c.534G>A on transcript NM_003055.3 (MANE Select); coding-DNA position 534, G replaced by A.
Protein change: p.Leu178=; no amino-acid change (leucine 178 retained).
Molecular consequence: synonymous variant. On other transcripts: intron variant (1).
Genome position (GRCh38, 1-based): chr10:49,611,274, G>A. VCF-style: chr10-49611274-G-A. GRCh37 (hg19) VCF-style: chr10-50819320-G-A.
Other names: c.-69+2075G>A (NM_020984.4).
Identifiers: ClinVar variation 1541112 (VCV001541112.9), dbSNP rs749642076, ClinGen allele CA5496782.
Genomic context (GRCh38, chr10:49,611,274, plus strand): 5'-CCTGGGCGTCATGTTCGCCTCTACAGTCCTGTTCGCCTTCGCCGAGGACTACGCCACGCT[G>A]TTCGCGGCGCGCAGCCTGCAGGGCCTGGGCTCAGCCTTCGCCGACACGTCTGGCATAGCC-3'
Protein context (NP_003046.2, residues 168-188): LFAFAEDYAT[Leu178=]FAARSLQGLG